The following is an entry in ClinVar:

ClinVar aggregate classification (germline): Benign/Likely benign. Review status: criteria provided, multiple submitters, no conflicts (2 of 4 stars). 13 submissions from 13 submitters: Benign (4); Likely benign (4). 5 of the submissions do not count toward it. Last evaluated 2026-01-28.

Conditions:
NEXN-related disorder. Also called: NEXN-related condition; NEXN-related disorders.
Cardiovascular phenotype. Identifiers: MedGen CN230736.
Hypertrophic cardiomyopathy 20. Identifiers: MedGen C3151267, MONDO:0013477, OMIM 613876.
Dilated cardiomyopathy 1CC (CMD1CC). Identifiers: Orphanet 154, MedGen C2751084, MONDO:0013147, OMIM 613122.
Cardiomyopathy (CMYO). Also called: Cardiomyopathies. Identifiers: Orphanet 167848, MedGen C0878544, MONDO:0004994, HP:0001638. Inheritance: Various modes of inheritance.

Allele frequency attached by ClinVar (database versions not stated): gnomAD 0.00045; ESP Exome Variant Server 0.00051; TOPMed 0.00057.
gnomAD v4.1: 1,020 of 1,613,402 alleles (0.063%); highest among the groups gnomAD compares: Non-Finnish European, 0.066%; 1 homozygote.

Submissions (13):

Labcorp Genetics (formerly Invitae), Labcorp
Classification: Benign for Dilated cardiomyopathy 1CC; Hypertrophic cardiomyopathy 20. Last evaluated: 2026-01-28. Review status: criteria provided, single submitter. Criteria: Invitae Variant Classification Sherloc (09022015). Collection method: clinical testing. Allele origin: germline.

Molecular Diagnostic Laboratory for Inherited Cardiovascular Disease, Montreal Heart Institute
Classification: Likely benign. Last evaluated: 2025-04-09. Review status: criteria provided, single submitter. Criteria: ACMG Guidelines, 2015. Collection method: clinical testing. Allele origin: germline. Affected: no.
Comment: BS1, BP6

Blueprint Genetics
Classification: Likely benign. Last evaluated: 2024-09-03. Review status: criteria provided, single submitter. Criteria: ACMG Guidelines, 2015. Collection method: clinical testing. Allele origin: germline.

Women's Health and Genetics/Laboratory Corporation of America, LabCorp
Classification: Benign. Last evaluated: 2023-12-10. Review status: criteria provided, single submitter. Criteria: LabCorp Variant Classification Summary - May 2015. Collection method: clinical testing. Allele origin: germline.

CHEO Genetics Diagnostic Laboratory, Children's Hospital of Eastern Ontario
Classification: Benign for Cardiomyopathy. Last evaluated: 2017-10-31. Review status: criteria provided, single submitter. Criteria: ACMG Guidelines, 2015. Collection method: clinical testing. Allele origin: germline.

Ambry Genetics
Classification: Likely benign for Cardiovascular phenotype. Last evaluated: 2016-04-28. Review status: criteria provided, single submitter. Criteria: Ambry Variant Classification Scheme 2023. Collection method: clinical testing. Allele origin: germline.

Laboratory for Molecular Medicine, Mass General Brigham Personalized Medicine
Classification: Likely benign. Last evaluated: 2015-12-17. Review status: criteria provided, single submitter. Criteria: LMM Criteria. Collection method: clinical testing. Allele origin: germline. Observed: 5 variant alleles.
Comment: p.Pro244Pro in exon 8 of NEXN: This variant is not expected to have clinical sig nificance because it does not result in an amino acid change and it is not locat ed within the splice consensus sequence. It has been identified in 0.1% (74/665 28) of European chromosomes by the Exome Aggregation Consortium (ExAC; dbSNP rs201171783).

GeneDx
Classification: Benign. Last evaluated: 2014-10-03. Review status: criteria provided, single submitter. Criteria: GeneDx Variant Classification (06012015). Collection method: clinical testing. Allele origin: germline. Affected: yes.
Comment: This variant is considered likely benign or benign based on one or more of the following criteria: it is a conservative change, it occurs at a poorly conserved position in the protein, it is predicted to be benign by multiple in silico algorithms, and/or has population frequency not consistent with disease.

PreventionGenetics, part of Exact Sciences
Classification: Benign for NEXN-related condition. Last evaluated: 2019-03-27. Review status: no assertion criteria provided. Collection method: clinical testing. Allele origin: germline. Not counted in ClinVar's aggregate classification.
Comment: This variant is classified as benign based on ACMG/AMP sequence variant interpretation guidelines (Richards et al. 2015 PMID: 25741868, with internal and published modifications).

Clinical Genetics DNA and cytogenetics Diagnostics Lab, Erasmus MC, Erasmus Medical Center
Classification: Likely benign. Review status: no assertion criteria provided. Collection method: clinical testing. Allele origin: germline. Affected: yes. Study: VKGL Data-share Consensus. Not counted in ClinVar's aggregate classification.

Clinical Genetics, Academic Medical Center
Classification: Benign. Review status: no assertion criteria provided. Collection method: clinical testing. Allele origin: germline. Affected: yes. Study: VKGL Data-share Consensus. Not counted in ClinVar's aggregate classification.

Diagnostic Laboratory, Department of Genetics, University Medical Center Groningen
Classification: Likely benign. Review status: no assertion criteria provided. Collection method: clinical testing. Allele origin: germline. Affected: yes. Study: VKGL Data-share Consensus. Not counted in ClinVar's aggregate classification.

Joint Genome Diagnostic Labs from Nijmegen and Maastricht, Radboudumc and MUMC+
Classification: Likely benign. Review status: no assertion criteria provided. Collection method: clinical testing. Allele origin: germline. Affected: yes. Study: VKGL Data-share Consensus. Not counted in ClinVar's aggregate classification.

NM_144573.4(NEXN):c.732C>A (p.Pro244=)

Gene: NEXN (nexilin F-actin binding protein; plus strand). Cytogenetic location: 1p31.1.
Variant type: single nucleotide variant.
Coding change: c.732C>A on transcript NM_144573.4 (MANE Select); coding-DNA position 732, C replaced by A.
Protein change: p.Pro244=; no amino-acid change (proline 244 retained).
Molecular consequence: synonymous variant.
Genome position (GRCh38, 1-based): chr1:77,926,760, C>A. VCF-style: chr1-77926760-C-A. GRCh37 (hg19) VCF-style: chr1-78392445-C-A.
Other names: p.P244P:CCC>CCA; c.540C>A, p.Pro180= (NM_001172309.2).
Identifiers: ClinVar variation 47910 (VCV000047910.34), dbSNP rs201171783, ClinGen allele CA142165.